The following is an entry in ClinVar:

NM_000901.5(NR3C2):c.*1165C>T

Gene: NR3C2 (nuclear receptor subfamily 3 group C member 2; minus strand). Cytogenetic location: 4q31.23.
Variant type: single nucleotide variant.
Coding change: c.*1165C>T on transcript NM_000901.5 (MANE Select); 1165 bases downstream of the stop codon, C replaced by T.
Molecular consequence: 3 prime UTR variant. On other transcripts: non-coding transcript variant (1).
Genome position (GRCh38, 1-based): chr4:148,080,179, G>A on the plus strand (C>T on the coding strand, the complement: NR3C2 is on the minus strand). VCF-style: chr4-148080179-G-A. GRCh37 (hg19) VCF-style: chr4-149001330-G-A.
Other names: c.*1165C>T (NM_001166104.2, NM_001354819.1).
Identifiers: ClinVar variation 347702 (VCV000347702.5), dbSNP rs5533, ClinGen allele CA10617180.

ClinVar aggregate classification (germline): Benign (1 of 4 stars; one submission).

Conditions:
Autosomal dominant pseudohypoaldosteronism type 1. Also called: Pseudohypoaldosteronism, Type I, Autosomal Dominant; PHA I, AUTOSOMAL DOMINANT; Pseudohypoaldosteronism, Type I, Dominant. Identifiers: Orphanet 171871, Orphanet 756, MedGen C1449842, MONDO:0008329, OMIM 177735.

Allele frequency attached by ClinVar (database versions not stated): 1000 Genomes Project 30x 0.00172; gnomAD 0.00199 and 0.00203; 1000 Genomes Project 0.00200; TOPMed 0.00210.

Submission:

Illumina Laboratory Services, Illumina
Classification: Benign for Autosomal dominant pseudohypoaldosteronism type 1. Last evaluated: 2018-01-13. Review status: criteria provided, single submitter. Criteria: ICSL Variant Classification Criteria 13 December 2019. Collection method: clinical testing. Allele origin: germline.
Comment: This variant was observed in the ICSL laboratory as part of a predisposition screen in an ostensibly healthy population. It had not been previously curated by ICSL or reported in the Human Gene Mutation Database (HGMD: prior to June 1st, 2018), and was therefore a candidate for classification through an automated scoring system. Utilizing variant allele frequency, disease prevalence and penetrance estimates, and inheritance mode, an automated score was calculated to assess if this variant is too frequent to cause the disease. Based on the score and internal cut-off values, a variant classified as benign is not then subjected to further curation. The score for this variant resulted in a classification of benign for this disease.